The following is an entry in ClinVar:

ClinVar aggregate classification (germline): Pathogenic (1 of 4 stars; one submission).

Submission:

Labcorp Genetics (formerly Invitae), Labcorp
Classification: Pathogenic. Last evaluated: 2025-05-18. Review status: criteria provided, single submitter. Criteria: Invitae Variant Classification Sherloc (09022015). Collection method: clinical testing. Allele origin: germline.
Comment: This sequence change creates a premature translational stop signal (p.Lys661Argfs*9) in the TTC37 gene. It is expected to result in an absent or disrupted protein product. Loss-of-function variants in TTC37 are known to be pathogenic (PMID: 20176027, 21120949). This variant is not present in population databases (gnomAD no frequency). This variant has not been reported in the literature in individuals affected with TTC37-related conditions. For these reasons, this variant has been classified as Pathogenic.

Literature cited by the submitters: PubMed 20176027; PubMed 21120949.

NM_014639.4(SKIC3):c.1982del (p.Lys661fs)

Gene: SKIC3 (SKI3 subunit of superkiller complex; minus strand). Cytogenetic location: 5q15.
Variant type: Deletion.
Coding change: c.1982del on transcript NM_014639.4 (MANE Select); coding-DNA position 1982, one base deleted (A; older notation c.1982delA).
Protein change: p.Lys661fs; shifts the reading frame from lysine 661.
Molecular consequence: frameshift variant.
Genome position (GRCh38, 1-based): chr5:95,522,083, T deleted on the plus strand (A on the coding strand, the reverse complement: SKIC3 is on the minus strand); the first of 5 consecutive T bases (chr5:95,522,083-95,522,087); deleting any one gives the same sequence. VCF-style (leftmost placement, unchanged base first): chr5-95522082-CT-C. GRCh37 (hg19) VCF-style: chr5-94857786-CT-C.
Other names: short protein forms K661fs.
Identifiers: ClinVar variation 4747933 (VCV004747933.1).